The following is an entry in ClinVar:

ClinVar aggregate classification (germline): Uncertain significance (1 of 4 stars; one submission).

Conditions:
Syndromic multisystem autoimmune disease due to ITCH deficiency. Also called: AUTOIMMUNE DISEASE, MULTISYSTEM, WITH FACIAL DYSMORPHISM. Identifiers: Orphanet 228426, MedGen C3150649, MONDO:0013245, OMIM 613385.

Allele frequency attached by ClinVar (database versions not stated): TOPMed below 0.00001; gnomAD exomes 0.00001.

Submission:

Labcorp Genetics (formerly Invitae), Labcorp
Classification: Uncertain significance for Syndromic multisystem autoimmune disease due to ITCH deficiency. Last evaluated: 2024-02-17. Review status: criteria provided, single submitter. Criteria: Invitae Variant Classification Sherloc (09022015). Collection method: clinical testing. Allele origin: germline.
Comment: This sequence change replaces valine, which is neutral and non-polar, with isoleucine, which is neutral and non-polar, at codon 229 of the ITCH protein (p.Val229Ile). This variant is present in population databases (no rsID available, gnomAD 0.002%). This variant has not been reported in the literature in individuals affected with ITCH-related conditions. ClinVar contains an entry for this variant (Variation ID: 1365278). An algorithm developed to predict the effect of missense changes on protein structure and function (PolyPhen-2) suggests that this variant is likely to be tolerated. In summary, the available evidence is currently insufficient to determine the role of this variant in disease. Therefore, it has been classified as a Variant of Uncertain Significance.

NM_031483.7(ITCH):c.685G>A (p.Val229Ile)

Gene: ITCH (itchy E3 ubiquitin protein ligase; plus strand). Cytogenetic location: 20q11.22.
Variant type: single nucleotide variant.
Coding change: c.685G>A on transcript NM_031483.7 (MANE Select); coding-DNA position 685, G replaced by A.
Protein change: p.Val229Ile; replaces valine 229 with isoleucine.
Molecular consequence: missense variant.
Genome position (GRCh38, 1-based): chr20:34,440,160, G>A. VCF-style: chr20-34440160-G-A. GRCh37 (hg19) VCF-style: chr20-33027965-G-A.
Other names: c.808G>A, p.Val270Ile (NM_001257137.3, NM_001324197.2); c.355G>A, p.Val119Ile (NM_001257138.3); c.685G>A, p.Val229Ile (NM_001324198.2); short protein forms V229I, V270I, V119I.
Identifiers: ClinVar variation 1365278 (VCV001365278.8), dbSNP rs907332969, ClinGen allele CA408662869.